The following is an entry in ClinVar:

NM_004472.3(FOXD1):c.273C>G (p.Gly91=)

Gene: FOXD1 (forkhead box D1; minus strand). Cytogenetic location: 5q13.2.
Variant type: single nucleotide variant.
Coding change: c.273C>G on transcript NM_004472.3 (MANE Select); coding-DNA position 273, C replaced by G.
Protein change: p.Gly91=; no amino-acid change (glycine 91 retained).
Molecular consequence: synonymous variant.
Genome position (GRCh38, 1-based): chr5:73,448,090, G>C on the plus strand (C>G on the coding strand, the complement: FOXD1 is on the minus strand). VCF-style: chr5-73448090-G-C. GRCh37 (hg19) VCF-style: chr5-72743915-G-C.
Identifiers: ClinVar variation 3039406 (VCV003039406.2), dbSNP rs2478677126, ClinGen allele CA445096861.

ClinVar aggregate classification (germline): Likely benign (0 of 4 stars; one submission).

Conditions:
FOXD1-related disorder. Also called: FOXD1-related condition.

Submission:

PreventionGenetics, part of Exact Sciences
Classification: Likely benign for FOXD1-related condition. Last evaluated: 2022-06-13. Review status: no assertion criteria provided. Collection method: clinical testing. Allele origin: germline.
Comment: This variant is classified as likely benign based on ACMG/AMP sequence variant interpretation guidelines (Richards et al. 2015 PMID: 25741868, with internal and published modifications).